The following is an entry in ClinVar:

ClinVar aggregate classification (germline): Uncertain significance (1 of 4 stars; one submission).

Allele frequency attached by ClinVar (database versions not stated): TOPMed below 0.00001.

Submission:

Labcorp Genetics (formerly Invitae), Labcorp
Classification: Uncertain significance. Last evaluated: 2022-09-01. Review status: criteria provided, single submitter. Criteria: Invitae Variant Classification Sherloc (09022015). Collection method: clinical testing. Allele origin: germline.
Comment: Advanced modeling of protein sequence and biophysical properties (such as structural, functional, and spatial information, amino acid conservation, physicochemical variation, residue mobility, and thermodynamic stability) performed at Invitae indicates that this missense variant is not expected to disrupt MAK protein function. ClinVar contains an entry for this variant (Variation ID: 1463798). This variant has not been reported in the literature in individuals affected with MAK-related conditions. This variant is not present in population databases (gnomAD no frequency). This sequence change replaces proline, which is neutral and non-polar, with leucine, which is neutral and non-polar, at codon 180 of the MAK protein (p.Pro180Leu). In summary, the available evidence is currently insufficient to determine the role of this variant in disease. Therefore, it has been classified as a Variant of Uncertain Significance.

NM_001242957.3(MAK):c.539C>T (p.Pro180Leu)

Gene: MAK (male germ cell associated kinase; minus strand). Cytogenetic location: 6p24.2.
Variant type: single nucleotide variant.
Coding change: c.539C>T on transcript NM_001242957.3 (MANE Select); coding-DNA position 539, C replaced by T.
Protein change: p.Pro180Leu; replaces proline 180 with leucine.
Molecular consequence: missense variant. On other transcripts: non-coding transcript variant (2).
Genome position (GRCh38, 1-based): chr6:10,803,844, G>A on the plus strand (C>T on the coding strand, the complement: MAK is on the minus strand). VCF-style: chr6-10803844-G-A. GRCh37 (hg19) VCF-style: chr6-10804077-G-A.
Other names: c.539C>T, p.Pro180Leu (NM_001242385.2, NM_005906.6); c.437C>T, p.Pro146Leu (NM_001377262.1); short protein forms P180L, P146L.
Identifiers: ClinVar variation 1463798 (VCV001463798.6), dbSNP rs1292238565, ClinGen allele CA362720626.